The following is an entry in ClinVar:

NM_022455.5(NSD1):c.4630A>G (p.Asn1544Asp)

Gene: NSD1 (nuclear receptor binding SET domain protein 1; plus strand). Cytogenetic location: 5q35.3.
Variant type: single nucleotide variant.
Coding change: c.4630A>G on transcript NM_022455.5 (MANE Select); coding-DNA position 4630, A replaced by G.
Protein change: p.Asn1544Asp; replaces asparagine 1544 with aspartic acid.
Molecular consequence: missense variant.
Genome position (GRCh38, 1-based): chr5:177,248,313, A>G. VCF-style: chr5-177248313-A-G. GRCh37 (hg19) VCF-style: chr5-176675314-A-G.
Other names: c.3757A>G, p.Asn1253Asp (NM_001365684.2, NM_001409306.1, NM_001409307.1 and 3 more transcripts); c.4630A>G, p.Asn1544Asp (NM_001409301.1, NM_001409302.1, NM_001409303.1); c.4210A>G, p.Asn1404Asp (NM_001409304.1); c.3877A>G, p.Asn1293Asp (NM_001409305.1); short protein forms N1253D, N1293D, N1404D, N1544D.
Identifiers: ClinVar variation 4881064 (VCV004881064.2).

ClinVar aggregate classification (germline): Uncertain significance (1 of 4 stars; one submission).

Submission:

Dasa
Classification: Uncertain significance. Last evaluated: 2025-09-09. Review status: criteria provided, single submitter. Criteria: DASA Assertion Criteria. Collection method: clinical testing. Allele origin: germline.
Comment: NM_022455.5(NSD1):c.4630A>G (p.Asn1544Asp) is a missense variant that results in the substitution of asparagine with aspartic acid. This variant is absent from population databases. The currently available literature and clinical evidence are not sufficient to establish a definitive association between this variant and the reported condition. Therefore, this variant is classified as a variant of uncertain significance.